The following is an entry in ClinVar:

ClinVar aggregate classification (germline): Pathogenic (1 of 4 stars; one submission).

Conditions:
DICER1-related tumor predisposition. Also called: DICER1-related pleuropulmonary blastoma cancer predisposition syndrome; DICER1 syndrome. Identifiers: Orphanet 284343, MedGen C3839822, MONDO:0100216.

Submission:

Labcorp Genetics (formerly Invitae), Labcorp
Classification: Pathogenic for DICER1-related tumor predisposition. Last evaluated: 2017-10-31. Review status: criteria provided, single submitter. Criteria: Invitae Variant Classification Sherloc (09022015). Collection method: clinical testing. Allele origin: germline.
Comment: For these reasons, this variant has been classified as Pathogenic. Loss-of-function variants in DICER1 are known to be pathogenic (PMID: 19556464, 21266384). This variant has not been reported in the literature in individuals with DICER1-related disease. This variant is not present in population databases (ExAC no frequency). This sequence change creates a premature translational stop signal (p.Pro986Serfs*13) in the DICER1 gene. It is expected to result in an absent or disrupted protein product.

Literature cited by the submitters: PubMed 19556464; PubMed 21266384.

NM_177438.3(DICER1):c.2955delinsTT (p.Gln985fs)

Gene: DICER1 (dicer 1, ribonuclease III; minus strand). Cytogenetic location: 14q32.13.
Variant type: Indel.
Coding change: c.2955delinsTT on transcript NM_177438.3 (MANE Select); coding-DNA position 2955, G replaced by TT.
Protein change: p.Gln985fs; shifts the reading frame from glutamine 985.
Molecular consequence: frameshift variant.
Genome position (GRCh38, 1-based): chr14:95,106,073, C replaced by AA on the plus strand (G replaced by TT on the coding strand, the reverse complement: DICER1 is on the minus strand). VCF-style: chr14-95106073-C-AA. GRCh37 (hg19) VCF-style: chr14-95572410-C-AA.
Other names: c.2955delinsTT, p.Gln985fs (NM_001195573.1, NM_001271282.3, NM_001291628.2 and 1 more transcripts); short protein forms Q985fs.
Identifiers: ClinVar variation 543648 (VCV000543648.7), dbSNP rs1555370268, ClinGen allele CA658798254.